The following is an entry in ClinVar:

ClinVar aggregate classification (germline): Benign (0 of 4 stars; one submission).

Conditions:
BRWD1-related disorder. Also called: BRWD1-related condition.

Allele frequency attached by ClinVar (database versions not stated): ESP Exome Variant Server 0.00077; gnomAD exomes 0.00209; gnomAD 0.00236; TOPMed 0.00249; ExAC 0.00400; 1000 Genomes Project 30x 0.00859; 1000 Genomes Project 0.01018.
gnomAD v4.1: 3,347 of 1,578,314 alleles (0.21%); highest among the groups gnomAD compares: East Asian, 3.7%; 52 homozygotes.

Submission:

PreventionGenetics, part of Exact Sciences
Classification: Benign for BRWD1-related condition. Last evaluated: 2019-02-22. Review status: no assertion criteria provided. Collection method: clinical testing. Allele origin: germline.
Comment: This variant is classified as benign based on ACMG/AMP sequence variant interpretation guidelines (Richards et al. 2015 PMID: 25741868, with internal and published modifications).

NM_033656.4(BRWD1):c.3786-9G>C

Gene: BRWD1 (bromodomain and WD repeat domain containing 1; minus strand). Cytogenetic location: 21q22.2.
Variant type: single nucleotide variant.
Coding change: c.3786-9G>C on transcript NM_033656.4 (MANE Select); 9 bases into the intron before coding-DNA position 3786, G replaced by C.
Molecular consequence: intron variant.
Genome position (GRCh38, 1-based): chr21:39,213,562, C>G on the plus strand (G>C on the coding strand, the complement: BRWD1 is on the minus strand). VCF-style: chr21-39213562-C-G. GRCh37 (hg19) VCF-style: chr21-40585488-C-G.
Other names: c.3786-9G>C (NM_018963.5).
Identifiers: ClinVar variation 3044832 (VCV003044832.2), dbSNP rs78657421, ClinGen allele CA10026876.